The following is an entry in ClinVar:

NM_000051.4(ATM):c.4499A>C (p.Gln1500Pro)

Gene: ATM (ATM serine/threonine kinase; plus strand). Cytogenetic location: 11q22.3.
Variant type: single nucleotide variant.
Coding change: c.4499A>C on transcript NM_000051.4 (MANE Select); coding-DNA position 4499, A replaced by C.
Protein change: p.Gln1500Pro; replaces glutamine 1500 with proline.
Molecular consequence: missense variant.
Genome position (GRCh38, 1-based): chr11:108,292,681, A>C. VCF-style: chr11-108292681-A-C. GRCh37 (hg19) VCF-style: chr11-108163408-A-C.
Other names: c.4499A>C, p.Gln1500Pro (NM_001351834.2); short protein forms Q1500P.
Identifiers: ClinVar variation 864553 (VCV000864553.10), dbSNP rs786203789, ClinGen allele CA382533464.

ClinVar aggregate classification (germline): Uncertain significance. Review status: criteria provided, multiple submitters, no conflicts (2 of 4 stars). 2 submissions from 2 submitters: Uncertain significance (2). Last evaluated 2026-09-02.

Conditions:
Hereditary cancer-predisposing syndrome. Also called: Tumor predisposition; Hereditary neoplastic syndrome; Neoplastic Syndromes, Hereditary; Hereditary Cancer Syndrome. Identifiers: Orphanet 140162, MedGen C0027672, MeSH D009386, MONDO:0015356.
Ataxia-telangiectasia syndrome (AT). Also called: Ataxia-telangiectasia, complementation group D; AT, COMPLEMENTATION GROUP C; ATAXIA-TELANGIECTASIA, COMPLEMENTATION GROUP A; ATAXIA-TELANGIECTASIA, FRESNO VARIANT; Ataxia-telangiectasia; LOUIS-BAR SYNDROME. Identifiers: Orphanet 100, MedGen C0004135, MONDO:0008840, OMIM 208900.

Submissions (2):

Ambry Genetics
Classification: Uncertain significance for Hereditary cancer-predisposing syndrome. Last evaluated: 2026-09-02. Review status: criteria provided, single submitter. Criteria: Ambry Variant Classification Scheme 2023. Collection method: clinical testing. Allele origin: germline.
Comment: The p.Q1500P variant (also known as c.4499A>C), located in coding exon 29 of the ATM gene, results from an A to C substitution at nucleotide position 4499. The glutamine at codon 1500 is replaced by proline, an amino acid with similar properties. In an assay testing ATM function, this variant showed a functionally abnormal result (Lee KS et al. Cell, 2025 Sep;188:5081-5099.e27). This amino acid position is poorly conserved in available vertebrate species. In addition, this alteration is predicted to be tolerated by in silico analysis. Based on the available evidence, the clinical significance of this variant remains unclear.

Labcorp Genetics (formerly Invitae), Labcorp
Classification: Uncertain significance for Ataxia-telangiectasia syndrome. Last evaluated: 2019-04-09. Review status: criteria provided, single submitter. Criteria: Invitae Variant Classification Sherloc (09022015). Collection method: clinical testing. Allele origin: germline.
Comment: In summary, the available evidence is currently insufficient to determine the role of this variant in disease. Therefore, it has been classified as a Variant of Uncertain Significance. Algorithms developed to predict the effect of missense changes on protein structure and function (SIFT, PolyPhen-2, Align-GVGD) all suggest that this variant is likely to be tolerated, but these predictions have not been confirmed by published functional studies and their clinical significance is uncertain. This variant has not been reported in the literature in individuals with ATM-related conditions. This variant is not present in population databases (ExAC no frequency). This sequence change replaces glutamine with proline at codon 1500 of the ATM protein (p.Gln1500Pro). The glutamine residue is weakly conserved and there is a moderate physicochemical difference between glutamine and proline.

Literature cited by the submitters: PubMed 40580951 (cited by Ambry Genetics).